The following is an entry in ClinVar:

ClinVar aggregate classification (germline): Uncertain significance (1 of 4 stars; one submission).

Conditions:
Peroxisome biogenesis disorder, complementation group K (CGK). Identifiers: MedGen C1866257, MONDO:0800365.

Allele frequency attached by ClinVar (database versions not stated): gnomAD exomes below 0.00001; TOPMed 0.00001.
gnomAD v4.1: 4 of 1,613,414 alleles (0.00025%); highest among the groups gnomAD compares: East Asian, 0.0067%; no homozygotes.

Submission:

Labcorp Genetics (formerly Invitae), Labcorp
Classification: Uncertain significance for Peroxisome biogenesis disorder, complementation group K. Last evaluated: 2022-07-12. Review status: criteria provided, single submitter. Criteria: Invitae Variant Classification Sherloc (09022015). Collection method: clinical testing. Allele origin: germline.
Comment: This sequence change replaces histidine, which is basic and polar, with tyrosine, which is neutral and polar, at codon 124 of the PEX14 protein (p.His124Tyr). This variant is present in population databases (no rsID available, gnomAD 0.01%). This variant has not been reported in the literature in individuals affected with PEX14-related conditions. Algorithms developed to predict the effect of missense changes on protein structure and function are either unavailable or do not agree on the potential impact of this missense change (SIFT: "Tolerated"; PolyPhen-2: "Possibly Damaging"; Align-GVGD: "Class C0"). In summary, the available evidence is currently insufficient to determine the role of this variant in disease. Therefore, it has been classified as a Variant of Uncertain Significance.

NM_004565.3(PEX14):c.370C>T (p.His124Tyr)

Gene: PEX14 (peroxisomal biogenesis factor 14; plus strand). Cytogenetic location: 1p36.22.
Variant type: single nucleotide variant.
Coding change: c.370C>T on transcript NM_004565.3 (MANE Select); coding-DNA position 370, C replaced by T.
Protein change: p.His124Tyr; replaces histidine 124 with tyrosine.
Molecular consequence: missense variant.
Genome position (GRCh38, 1-based): chr1:10,618,403, C>T. VCF-style: chr1-10618403-C-T. GRCh37 (hg19) VCF-style: chr1-10678460-C-T.
Other names: short protein forms H124Y.
Identifiers: ClinVar variation 1897314 (VCV001897314.5), dbSNP rs1250012399, ClinGen allele CA338331186.